The following is an entry in ClinVar:

ClinVar aggregate classification (germline): Likely benign (0 of 4 stars; one submission).

Conditions:
MTOR-related disorder. Also called: MTOR-related condition.

Allele frequency attached by ClinVar (database versions not stated): gnomAD exomes below 0.00001.
gnomAD v4.1: 1 of 1,614,202 alleles (0.000062%); highest among the groups gnomAD compares: Non-Finnish European, 0.000085%; no homozygotes.

Submission:

PreventionGenetics, part of Exact Sciences
Classification: Likely benign for MTOR-related condition. Last evaluated: 2022-12-11. Review status: no assertion criteria provided. Collection method: clinical testing. Allele origin: germline.
Comment: This variant is classified as likely benign based on ACMG/AMP sequence variant interpretation guidelines (Richards et al. 2015 PMID: 25741868, with internal and published modifications).

NM_004958.4(MTOR):c.579C>T (p.Asn193=)

Gene: MTOR (mechanistic target of rapamycin kinase; minus strand). Cytogenetic location: 1p36.22.
Variant type: single nucleotide variant.
Coding change: c.579C>T on transcript NM_004958.4 (MANE Select); coding-DNA position 579, C replaced by T.
Protein change: p.Asn193=; no amino-acid change (asparagine 193 retained).
Molecular consequence: synonymous variant. On other transcripts: 5 prime UTR variant (1).
Genome position (GRCh38, 1-based): chr1:11,256,118, G>A on the plus strand (C>T on the coding strand, the complement: MTOR is on the minus strand). VCF-style: chr1-11256118-G-A. GRCh37 (hg19) VCF-style: chr1-11316175-G-A.
Other names: c.579C>T, p.Asn193= (NM_001386500.1); c.-561C>T (NM_001386501.1).
Identifiers: ClinVar variation 3048922 (VCV003048922.2), dbSNP rs2523449916, ClinGen allele CA415929201.